The following is an entry in ClinVar:

ClinVar aggregate classification (germline): Uncertain significance (1 of 4 stars; one submission).

Conditions:
Cardiomyopathy (CMYO). Also called: Cardiomyopathies. Identifiers: Orphanet 167848, MedGen C0878544, MONDO:0004994, HP:0001638. Inheritance: Various modes of inheritance.

Submission:

Color Diagnostics, LLC DBA Color Health
Classification: Uncertain significance for Cardiomyopathy. Last evaluated: 2025-06-17. Review status: criteria provided, single submitter. Criteria: ACMG Guidelines, 2015. Collection method: clinical testing. Allele origin: germline.
Comment: This missense variant replaces leucine with proline at codon 571 of the DSG2 protein. Computational prediction suggests that this variant may not impact protein structure and function. To our knowledge, functional studies have not been reported for this variant. This variant has not been reported in individuals affected with DSG2-related disorders in the literature. This variant has not been identified in the general population by the Genome Aggregation Database (gnomAD). The available evidence is insufficient to determine the role of this variant in disease conclusively. Therefore, this variant is classified as a Variant of Uncertain Significance.

NM_001943.5(DSG2):c.1712T>C (p.Leu571Pro)

Gene: DSG2 (desmoglein 2; plus strand). Cytogenetic location: 18q12.1.
Variant type: single nucleotide variant.
Coding change: c.1712T>C on transcript NM_001943.5 (MANE Select); coding-DNA position 1712, T replaced by C.
Protein change: p.Leu571Pro; replaces leucine 571 with proline.
Molecular consequence: missense variant.
Genome position (GRCh38, 1-based): chr18:31,538,811, T>C. VCF-style: chr18-31538811-T-C. GRCh37 (hg19) VCF-style: chr18-29118774-T-C.
Other names: short protein forms L571P.
Identifiers: ClinVar variation 4757006 (VCV004757006.1).